The following is an entry in ClinVar:

ClinVar aggregate classification (germline): Likely benign. Review status: criteria provided, multiple submitters, no conflicts (2 of 4 stars). 4 submissions from 4 submitters: Likely benign (3). 1 of the submissions does not count toward it. Last evaluated 2026-02-01.

Conditions:
ERCC2-related disorder. Also called: ERCC2-related conditions; ERCC2-related condition; ERCC2-related disorders. Identifiers: MedGen CN239291.
Inborn genetic diseases. Identifiers: MedGen C0950123, MeSH D030342.

Allele frequency attached by ClinVar (database versions not stated): ExAC 0.00005; gnomAD exomes 0.00005 and 0.00010; ESP Exome Variant Server 0.00008; TOPMed 0.00014; gnomAD 0.00019 and 0.00021; 1000 Genomes Project 30x 0.00047; 1000 Genomes Project 0.00060.
gnomAD v4.1: 103 of 1,614,136 alleles (0.0064%); highest among the groups gnomAD compares: Admixed American, 0.098%; no homozygotes.

Submissions (4):

Labcorp Genetics (formerly Invitae), Labcorp
Classification: Likely benign. Last evaluated: 2026-02-01. Review status: criteria provided, single submitter. Criteria: Invitae Variant Classification Sherloc (09022015). Collection method: clinical testing. Allele origin: germline.

Blueprint Genetics
Classification: Likely benign. Last evaluated: 2023-08-31. Review status: criteria provided, single submitter. Criteria: ACMG Guidelines, 2015. Collection method: clinical testing. Allele origin: germline.

Ambry Genetics
Classification: Likely benign for Inborn genetic diseases. Last evaluated: 2022-02-21. Review status: criteria provided, single submitter. Criteria: Ambry Variant Classification Scheme 2023. Collection method: clinical testing. Allele origin: germline.

PreventionGenetics, part of Exact Sciences
Classification: Likely benign for ERCC2-related condition. Last evaluated: 2023-08-22. Review status: no assertion criteria provided. Collection method: clinical testing. Allele origin: germline. Not counted in ClinVar's aggregate classification.
Comment: This variant is classified as likely benign based on ACMG/AMP sequence variant interpretation guidelines (Richards et al. 2015 PMID: 25741868, with internal and published modifications).

NM_000400.4(ERCC2):c.1323G>A (p.Ser441=)

Gene: ERCC2 (ERCC excision repair 2, TFIIH core complex helicase subunit; minus strand). Cytogenetic location: 19q13.32.
Variant type: single nucleotide variant.
Coding change: c.1323G>A on transcript NM_000400.4 (MANE Select); coding-DNA position 1323, G replaced by A.
Protein change: p.Ser441=; no amino-acid change (serine 441 retained).
Molecular consequence: synonymous variant.
Genome position (GRCh38, 1-based): chr19:45,357,528, C>T on the plus strand (G>A on the coding strand, the complement: ERCC2 is on the minus strand). VCF-style: chr19-45357528-C-T. GRCh37 (hg19) VCF-style: chr19-45860786-C-T.
Identifiers: ClinVar variation 1634508 (VCV001634508.13), dbSNP rs147850061, ClinGen allele CA9513348.